The following is an entry in ClinVar:

NM_206933.2(USH2A):c.8179dup (p.Val2727Glyfs)

Gene: USH2A (usherin; minus strand). Cytogenetic location: 1q41.
Variant type: Duplication.
Coding change: c.8179dup on transcript NM_206933.2; coding-DNA position 8179, one base duplicated (G; older notation c.8179dupG).
Protein change: p.Val2727Glyfs; shifts the reading frame from valine 2727.
Molecular consequence: frameshift variant (on NM_206933.4).
Genome position (GRCh38, 1-based): chr1:215,888,470, C duplicated on the plus strand (G on the coding strand, the reverse complement: USH2A is on the minus strand); the first of 4 consecutive C bases (chr1:215,888,470-215,888,473); duplicating any one gives the same sequence. VCF-style (leftmost placement, unchanged base first): chr1-215888469-A-AC. GRCh37 (hg19) VCF-style: chr1-216061811-A-AC.
Other names: c.8179dup, p.Val2727fs (NM_206933.4); c.8179dupG (NM_206933.2); short protein forms V2727fs.
Identifiers: ClinVar variation 496920 (VCV000496920.15), dbSNP rs774573692, ClinGen allele CA1394668.

ClinVar aggregate classification (germline): Pathogenic/Likely pathogenic. Review status: criteria provided, multiple submitters, no conflicts (2 of 4 stars). 8 submissions from 7 submitters: Pathogenic (3); Likely pathogenic (4). 1 of the submissions does not count toward it. Last evaluated 2026-01-29.

Conditions:
USH2A-related disorder. Also called: USH2A-related condition; USH2A-related disorders. Identifiers: MedGen CN239332.
Retinitis pigmentosa 39 (RP39). Identifiers: Orphanet 791, MedGen C3151138, MONDO:0013436, OMIM 613809.
Usher syndrome type 2A. Also called: USHER SYNDROME, TYPE IIA; RETINAL DISEASE IN USHER SYNDROME TYPE IIA, MODIFIER OF. Identifiers: Orphanet 231178, Orphanet 886, MedGen C1848634, MONDO:0010169, OMIM 276901.

Submissions (8):

Natera, Inc.
Classification: Likely pathogenic for Usher syndrome type 2A. Last evaluated: 2026-01-29. Review status: criteria provided, single submitter. Criteria: Natera Variant Classification Schema (03/2026). Collection method: clinical testing. Allele origin: germline.
Comment: The c.8179dupG variant in USH2A is a frameshift variant predicted to shift the reading frame beginning at codon 2727 and leads to a stop codon 30 codons downstream. This variant is expected to result in nonsense mediated decay, truncation, or a dysfunctional protein product. This variant is rare in the general population with a frequency below the threshold expected for the associated phenotype(s). Given the available evidence, this variant is classified as Likely Pathogenic.

Labcorp Genetics (formerly Invitae), Labcorp
Classification: Pathogenic. Last evaluated: 2025-12-26. Review status: criteria provided, single submitter. Criteria: Invitae Variant Classification Sherloc (09022015). Collection method: clinical testing. Allele origin: germline.
Comment: This sequence change creates a premature translational stop signal (p.Val2727Glyfs*30) in the USH2A gene. It is expected to result in an absent or disrupted protein product. Loss-of-function variants in USH2A are known to be pathogenic (PMID: 10729113, 10909849, 20507924, 25649381). The frequency data for this variant in the population databases is considered unreliable, as metrics indicate poor data quality at this position in the gnomAD database. This variant has not been reported in the literature in individuals affected with USH2A-related conditions. ClinVar contains an entry for this variant (Variation ID: 496920). For these reasons, this variant has been classified as Pathogenic.

Fulgent Genetics
Classification: Likely pathogenic for Usher syndrome type 2A; Retinitis pigmentosa 39. Last evaluated: 2024-05-07. Review status: criteria provided, single submitter. Criteria: ACMG Guidelines, 2015. Collection method: clinical testing. Allele origin: germline.

Genome-Nilou Lab
Classification: Likely pathogenic for Retinitis pigmentosa 39. Last evaluated: 2023-11-04. Review status: criteria provided, single submitter. Criteria: ACMG Guidelines, 2015. Collection method: clinical testing. Allele origin: germline. Affected: no.

Genome-Nilou Lab
Classification: Likely pathogenic for Usher syndrome type 2A. Last evaluated: 2023-11-04. Review status: criteria provided, single submitter. Criteria: ACMG Guidelines, 2015. Collection method: clinical testing. Allele origin: germline. Affected: no.

Blueprint Genetics
Classification: Pathogenic for USH2A-related disorders. Last evaluated: 2021-11-25. Review status: criteria provided, single submitter. Criteria: ACMG Guidelines, 2015. Collection method: clinical testing. Allele origin: germline. Affected: yes. Observed: 4 variant alleles.

Eurofins Ntd Llc (ga)
Classification: Pathogenic. Last evaluated: 2016-11-28. Review status: criteria provided, single submitter. Criteria: EGL Classification Definitions 2015. Collection method: clinical testing. Allele origin: germline. Observed: 2 variant alleles, 2 heterozygotes.

Counsyl
Classification: Likely pathogenic for Usher syndrome type 2A; Retinitis pigmentosa 39. Last evaluated: 2017-03-16. Review status: no assertion criteria provided. Collection method: clinical testing. Allele origin: unknown. Not counted in ClinVar's aggregate classification.

Literature cited by the submitters: PubMed 10729113 (cited by Labcorp Genetics (formerly Invitae), Labcorp); PubMed 10909849 (cited by Labcorp Genetics (formerly Invitae), Labcorp); PubMed 20507924 (cited by Labcorp Genetics (formerly Invitae), Labcorp); PubMed 25649381 (cited by Labcorp Genetics (formerly Invitae), Labcorp).